The following is an entry in ClinVar:

NM_001148.6(ANK2):c.7772T>C (p.Met2591Thr)

Genes: ANK2 (ankyrin 2; plus strand), LOC126807137 (CDK7 strongly-dependent group 2 enhancer GRCh37_chr4:114276560-114277759; plus strand). Cytogenetic location: 4q26.
Variant type: single nucleotide variant.
Coding change: c.7772T>C on transcript NM_001148.6 (MANE Select); coding-DNA position 7772, T replaced by C.
Protein change: p.Met2591Thr; replaces methionine 2591 with threonine.
Molecular consequence: missense variant. On other transcripts: intron variant (68).
Genome position (GRCh38, 1-based): chr4:113,356,390, T>C. VCF-style: chr4-113356390-T-C. GRCh37 (hg19) VCF-style: chr4-114277546-T-C.
Other names: c.7538T>C, p.Met2513Thr (NM_001386142.1); c.4172T>C, p.Met1391Thr (NM_001386166.1); c.7913T>C, p.Met2638Thr (NM_001386174.1); c.7889T>C, p.Met2630Thr (NM_001386175.1); c.4412-4433T>C (NM_001386186.2, NM_001386148.2); c.4214-4433T>C (NM_001354269.3); c.4292-4433T>C (NM_001386187.2); c.4253-4433T>C (NM_001386147.1); and 35 more; short protein forms M1391T, M2513T, M2591T, M2630T, M2638T.
Identifiers: ClinVar variation 5021951 (VCV005021951.1).

ClinVar aggregate classification (germline): Uncertain significance (1 of 4 stars; one submission).

Conditions:
Cardiovascular phenotype. Identifiers: MedGen CN230736.

gnomAD v4.1: 1 of 1,614,120 alleles (0.000062%); highest among the groups gnomAD compares: Non-Finnish European, 0.000085%; no homozygotes.

Submission:

Ambry Genetics
Classification: Uncertain significance for Cardiovascular phenotype. Last evaluated: 2026-07-10. Review status: criteria provided, single submitter. Criteria: Ambry Variant Classification Scheme 2023. Collection method: clinical testing. Allele origin: germline.
Comment: The p.M2591T variant (also known as c.7772T>C), located in coding exon 38 of the ANK2 gene, results from a T to C substitution at nucleotide position 7772. The methionine at codon 2591 is replaced by threonine, an amino acid with similar properties. This amino acid position is conserved. In addition, this alteration is predicted to be deleterious by in silico analysis. Based on the available evidence, the clinical significance of this variant remains unclear.